The following is an entry in ClinVar:

ClinVar aggregate classification (germline): Likely benign. Review status: reviewed by expert panel (3 of 4 stars). 4 submissions from 4 submitters: Likely benign (1). 3 of the submissions do not count toward it. Last evaluated 2017-06-29.

Conditions:
Hereditary cancer-predisposing syndrome. Also called: Tumor predisposition; Neoplastic Syndromes, Hereditary; Hereditary Cancer Syndrome; Hereditary neoplastic syndrome. Identifiers: Orphanet 140162, MedGen C0027672, MeSH D009386, MONDO:0015356.
Hereditary breast ovarian cancer syndrome. Also called: Hereditary breast and ovarian cancer; Hereditary breast and ovarian cancer syndrome (HBOC); Hereditary breast and/or ovarian cancer syndrome; Breast and ovarian cancer; Hereditary breast and ovarian cancer syndrome; BRCA1- and BRCA2-Associated Hereditary Breast and Ovarian Cancer. Identifiers: Orphanet 145, MedGen C0677776, MeSH D061325, MONDO:0003582. Disease mechanism: loss of function.
Breast-ovarian cancer, familial, susceptibility to, 2 (BROVCA2). Also called: BRCA2 Hereditary Breast and Ovarian Cancer. Identifiers: Orphanet 145, MedGen C2675520, MONDO:0012933, OMIM 612555. Disease mechanism: loss of function.

Allele frequency attached by ClinVar (database versions not stated): gnomAD exomes 0.00001.
gnomAD v4.1: 8 of 1,613,782 alleles (0.0005%); highest among the groups gnomAD compares: Non-Finnish European, 0.00068%; no homozygotes.

Submissions (4):

Evidence-based Network for the Interpretation of Germline Mutant Alleles (ENIGMA)
Classification: Likely benign for Breast-ovarian cancer, familial, susceptibility to, 2. Last evaluated: 2017-06-29. Review status: reviewed by expert panel. Criteria: ENIGMA BRCA1/2 Classification Criteria (2017-06-29). Collection method: curation. Allele origin: germline.
Comment: Synonymous substitution variant, with low bioinformatic likelihood to result in a splicing aberration (Splicing prior probability 0.02).

Labcorp Genetics (formerly Invitae), Labcorp
Classification: Likely benign for Hereditary breast ovarian cancer syndrome. Last evaluated: 2024-11-26. Review status: criteria provided, single submitter. Criteria: Invitae Variant Classification Sherloc (09022015). Collection method: clinical testing. Allele origin: germline. Not counted in ClinVar's aggregate classification.

Color Diagnostics, LLC DBA Color Health
Classification: Likely benign for Hereditary cancer-predisposing syndrome. Last evaluated: 2022-05-13. Review status: criteria provided, single submitter. Criteria: ACMG Guidelines, 2015. Collection method: clinical testing. Allele origin: germline. Not counted in ClinVar's aggregate classification.

Ambry Genetics
Classification: Likely benign for Hereditary cancer-predisposing syndrome. Last evaluated: 2018-12-27. Review status: criteria provided, single submitter. Criteria: Ambry Variant Classification Scheme 2023. Collection method: clinical testing. Allele origin: germline. Not counted in ClinVar's aggregate classification.

NM_000059.4(BRCA2):c.7836A>C (p.Pro2612=)

Gene: BRCA2 (BRCA2 DNA repair associated; plus strand). Cytogenetic location: 13q13.1.
Variant type: single nucleotide variant.
Coding change: c.7836A>C on transcript NM_000059.4 (MANE Select); coding-DNA position 7836, A replaced by C.
Protein change: p.Pro2612=; no amino-acid change (proline 2612 retained).
Molecular consequence: synonymous variant.
Genome position (GRCh38, 1-based): chr13:32,362,553, A>C. VCF-style: chr13-32362553-A-C. GRCh37 (hg19) VCF-style: chr13-32936690-A-C.
Identifiers: ClinVar variation 415636 (VCV000415636.16), dbSNP rs1060504601, ClinGen allele CA16614361.